The following is an entry in ClinVar:

ClinVar aggregate classification (germline): Uncertain significance (1 of 4 stars; one submission).

Conditions:
Ullrich congenital muscular dystrophy 2 (UCMD2). Identifiers: Orphanet 75840, MedGen C4225314, MONDO:0014654, OMIM 616470.
Bethlem myopathy 2 (BTHLM2). Identifiers: Orphanet 536516, Orphanet 610, MedGen C4225313, MONDO:0034022, OMIM 616471.

Submission:

Labcorp Genetics (formerly Invitae), Labcorp
Classification: Uncertain significance for Bethlem myopathy 2; Ullrich congenital muscular dystrophy 2. Last evaluated: 2025-09-14. Review status: criteria provided, single submitter. Criteria: Invitae Variant Classification Sherloc (09022015). Collection method: clinical testing. Allele origin: germline.
Comment: This sequence change replaces aspartic acid, which is acidic and polar, with tyrosine, which is neutral and polar, at codon 2485 of the COL12A1 protein (p.Asp2485Tyr). This variant is not present in population databases (gnomAD no frequency). This variant has not been reported in the literature in individuals affected with COL12A1-related conditions. Invitae Evidence Modeling of protein sequence and biophysical properties (such as structural, functional, and spatial information, amino acid conservation, physicochemical variation, residue mobility, and thermodynamic stability) has been performed for this missense variant. However, the output from this modeling did not meet the statistical confidence thresholds required to predict the impact of this variant on COL12A1 protein function. In summary, the available evidence is currently insufficient to determine the role of this variant in disease. Therefore, it has been classified as a Variant of Uncertain Significance.

NM_004370.6(COL12A1):c.7453G>T (p.Asp2485Tyr)

Gene: COL12A1 (collagen type XII alpha 1 chain; minus strand). Cytogenetic location: 6q13.
Variant type: single nucleotide variant.
Coding change: c.7453G>T on transcript NM_004370.6 (MANE Select); coding-DNA position 7453, G replaced by T.
Protein change: p.Asp2485Tyr; replaces aspartic acid 2485 with tyrosine.
Molecular consequence: missense variant.
Genome position (GRCh38, 1-based): chr6:75,117,448, C>A on the plus strand (G>T on the coding strand, the complement: COL12A1 is on the minus strand). VCF-style: chr6-75117448-C-A. GRCh37 (hg19) VCF-style: chr6-75827164-C-A.
Other names: c.7453G>T, p.Asp2485Tyr (NM_001424113.1); c.7432G>T, p.Asp2478Tyr (NM_001424114.1); c.7180G>T, p.Asp2394Tyr (NM_001424115.1); c.3961G>T, p.Asp1321Tyr (NM_001424116.1, NM_080645.3); short protein forms D1321Y, D2394Y, D2478Y, D2485Y.
Identifiers: ClinVar variation 4783029 (VCV004783029.1).